The following is an entry in ClinVar:

ClinVar aggregate classification (germline): Benign. Review status: criteria provided, multiple submitters, no conflicts (2 of 4 stars). 4 submissions from 4 submitters: Benign (4). Last evaluated 2025-10-23.

Conditions:
Tip-toe gait. Also called: Toe walking. Identifiers: MedGen C0427144, HP:0030051.

Submissions (5):

Labcorp Genetics (formerly Invitae), Labcorp
Classification: Benign. Last evaluated: 2025-10-23. Review status: criteria provided, single submitter. Criteria: Invitae Variant Classification Sherloc (09022015). Collection method: clinical testing. Allele origin: germline.

CeGaT Center for Human Genetics Tuebingen
Classification: Benign. Last evaluated: 2025-01-01. Review status: criteria provided, single submitter. Criteria: CeGaT Center For Human Genetics Tuebingen Variant Classification Criteria Version 2. Collection method: clinical testing. Allele origin: germline. Affected: yes. Observed: 1 variant allele.
Comment: SBF1: BP4, BS1, BS2

Mayo Clinic Laboratories, Mayo Clinic
Classification: Benign. Last evaluated: 2022-05-31. Review status: criteria provided, single submitter. Criteria: ACMG Guidelines, 2015. Collection method: clinical testing. Allele origin: germline. Observed: 2 variant alleles.
Comment: BS1, BS2

Practice for Gait Abnormalities, David Pomarino, Competency Network Toe Walking C/o Practice Pomarino
Classification: Benign for Tip-toe gait. Last evaluated: 2021-01-19. Review status: criteria provided, single submitter. Criteria: Pomarino et al. (Glob Med Genet. 2026). Collection method: clinical testing. Allele origin: germline. Affected: yes.

Dr. Peter K. Rogan Lab, Western University
No classification provided (evidence only). Condition: Gastric cancer. Review status: no classification provided. Collection method: in vitro. Allele origin: not applicable. Functional consequence: retained intron. Not counted in ClinVar's aggregate classification.

NM_002972.4(SBF1):c.2396+7_2396+18del

Gene: SBF1 (SET binding factor 1; minus strand). Cytogenetic location: 22q13.33.
Variant type: Deletion.
Coding change: c.2396+7_2396+18del on transcript NM_002972.4 (MANE Select); bases 7 to 18 of the intron after coding-DNA position 2396, 12 bases deleted (CAGGGACTGGGG).
Molecular consequence: intron variant.
Genome position (GRCh38, 1-based): chr22:50,462,187-50,462,198, CCCCAGTCCCTG deleted on the plus strand (CAGGGACTGGGG on the coding strand, the reverse complement: SBF1 is on the minus strand); deleting any 12 consecutive bases within chr22:50,462,187-50,462,200 gives the same sequence; the c. name uses the placement nearest the transcript's 3' end. VCF-style (leftmost placement, unchanged base first): chr22-50462186-CCCCCAGTCCCTG-C. GRCh37 (hg19) VCF-style: chr22-50900615-CCCCCAGTCCCTG-C.
Other names: NC_000022.10:g.50900618_50900629del; p.?; c.2399+7_2399+18del (NM_001365819.1); c.2396+5_2396+16del (NM_002972.4); c.2396+7_2396+18delCAGGGACTGGGG (NM_002972.3).
Identifiers: ClinVar variation 1546400 (VCV001546400.23), dbSNP rs570055395, ClinGen allele CA10317246.